The following is an entry in ClinVar:

NM_144997.7(FLCN):c.1614C>T (p.Ile538=)

Gene: FLCN (folliculin; minus strand). Cytogenetic location: 17p11.2.
Variant type: single nucleotide variant.
Coding change: c.1614C>T on transcript NM_144997.7 (MANE Select); coding-DNA position 1614, C replaced by T.
Protein change: p.Ile538=; no amino-acid change (isoleucine 538 retained).
Molecular consequence: synonymous variant.
Genome position (GRCh38, 1-based): chr17:17,213,781, G>A on the plus strand (C>T on the coding strand, the complement: FLCN is on the minus strand). VCF-style: chr17-17213781-G-A. GRCh37 (hg19) VCF-style: chr17-17117095-G-A.
Other names: c.1668C>T, p.Ile556= (NM_001353229.2); c.1614C>T, p.Ile538= (NM_001353230.2, NM_001353231.2).
Identifiers: ClinVar variation 760185 (VCV000760185.9), dbSNP rs1597574133, ClinGen allele CA498163108.

ClinVar aggregate classification (germline): Benign/Likely benign. Review status: criteria provided, multiple submitters, no conflicts (2 of 4 stars). 3 submissions from 3 submitters: Benign (1); Likely benign (2). Last evaluated 2025-11-06.

Conditions:
Birt-Hogg-Dube syndrome. Also called: Birt Hogg Dubé syndrome. Identifiers: Orphanet 122, MedGen C0346010, MONDO:0800444.
Birt-Hogg-Dube syndrome 1 (BHD1). Also called: FIBROFOLLICULOMAS WITH TRICHODISCOMAS AND ACROCHORDONS. Identifiers: Orphanet 122, MedGen CN375946, MONDO:0800445, OMIM 135150.
Hereditary cancer-predisposing syndrome. Also called: Tumor predisposition; Hereditary Cancer Syndrome; Neoplastic Syndromes, Hereditary; Hereditary neoplastic syndrome. Identifiers: Orphanet 140162, MedGen C0027672, MeSH D009386, MONDO:0015356.

gnomAD v4.1: 7 of 1,614,246 alleles (0.00043%); highest among the groups gnomAD compares: Non-Finnish European, 0.00059%; no homozygotes.

Submissions (3):

Labcorp Genetics (formerly Invitae), Labcorp
Classification: Likely benign for Birt-Hogg-Dube syndrome. Last evaluated: 2025-11-06. Review status: criteria provided, single submitter. Criteria: Invitae Variant Classification Sherloc (09022015). Collection method: clinical testing. Allele origin: germline.

Ambry Genetics
Classification: Likely benign for Hereditary cancer-predisposing syndrome. Last evaluated: 2025-04-18. Review status: criteria provided, single submitter. Criteria: Ambry Variant Classification Scheme 2023. Collection method: clinical testing. Allele origin: germline.

Myriad Genetics, Inc.
Classification: Benign for Birt-Hogg-Dube syndrome 1. Last evaluated: 2024-10-28. Review status: criteria provided, single submitter. Criteria: Myriad Autosomal Dominant, Autosomal Recessive and X-Linked Classification Criteria (2023). Collection method: clinical testing. Allele origin: unknown.
Comment: This variant is considered benign. This variant is a silent/synonymous amino acid change and it is not expected to impact splicing.